The following is an entry in ClinVar:

NM_018006.5(TRMU):c.943G>T (p.Glu315Ter)

Gene: TRMU (tRNA mitochondrial 2-thiouridylase; plus strand). Cytogenetic location: 22q13.31.
Variant type: single nucleotide variant.
Coding change: c.943G>T on transcript NM_018006.5 (MANE Select); coding-DNA position 943, G replaced by T.
Protein change: p.Glu315Ter; replaces glutamic acid 315 with a stop codon.
Molecular consequence: nonsense. On other transcripts: non-coding transcript variant (2).
Genome position (GRCh38, 1-based): chr22:46,355,513, G>T. VCF-style: chr22-46355513-G-T. GRCh37 (hg19) VCF-style: chr22-46751410-G-T.
Other names: c.601G>T, p.Glu201Ter (NM_001282782.2); c.523G>T, p.Glu175Ter (NM_001282783.2, NM_001282784.2); c.943G>T, p.Glu315Ter (NM_001282785.2); short protein forms E315*, E175*, E201*.
Identifiers: ClinVar variation 1394772 (VCV001394772.7), dbSNP rs2147113826, ClinGen allele CA411916250.

ClinVar aggregate classification (germline): Pathogenic. Review status: criteria provided, multiple submitters, no conflicts (2 of 4 stars). 2 submissions from 2 submitters: Pathogenic (2). Last evaluated 2024-12-20.

Conditions:
Acute infantile liver failure due to synthesis defect of mtDNA-encoded proteins. Also called: TRMU Deficiency; LIVER FAILURE, INFANTILE, TRANSIENT; Liver failure acute infantile. Identifiers: Orphanet 217371, MedGen C3278664, MONDO:0013111, OMIM 613070.

Allele frequency attached by ClinVar (database versions not stated): gnomAD exomes below 0.00001.
gnomAD v4.1: 2 of 1,613,274 alleles (0.00012%); highest among the groups gnomAD compares: Non-Finnish European, 0.00017%; no homozygotes.

Submissions (2):

Myriad Genetics, Inc.
Classification: Pathogenic for Acute infantile liver failure due to synthesis defect of mtDNA-encoded proteins. Last evaluated: 2024-12-20. Review status: criteria provided, single submitter. Criteria: Myriad Autosomal Dominant, Autosomal Recessive and X-Linked Classification Criteria (2023). Collection method: clinical testing. Allele origin: unknown.
Comment: NM_018006.4(TRMU):c.943G>T(E315*) is expected to be pathogenic in the context of acute liver failure, TRMU-related. This variant is predicted to lead to an abnormal or absent protein product due to the creation of a premature termination codon in TRMU, a gene where loss-of-function variants are known to be pathogenic. Please note: this variant was assessed in the context of healthy population screening.

Labcorp Genetics (formerly Invitae), Labcorp
Classification: Pathogenic. Last evaluated: 2021-03-23. Review status: criteria provided, single submitter. Criteria: Invitae Variant Classification Sherloc (09022015). Collection method: clinical testing. Allele origin: germline.
Comment: This sequence change creates a premature translational stop signal (p.Glu315*) in the TRMU gene. It is expected to result in an absent or disrupted protein product. Loss-of-function variants in TRMU are known to be pathogenic (PMID: 19732863, 23625533). This variant is not present in population databases (ExAC no frequency). This variant has not been reported in the literature in individuals with TRMU-related conditions. For these reasons, this variant has been classified as Pathogenic.

Literature cited by the submitters: PubMed 19732863 (cited by Labcorp Genetics (formerly Invitae), Labcorp); PubMed 23625533 (cited by Labcorp Genetics (formerly Invitae), Labcorp).